The following is an entry in ClinVar:

ClinVar aggregate classification (germline): Uncertain significance (1 of 4 stars; one submission).

Conditions:
Neuronopathy, distal hereditary motor, type 7A. Also called: HMN VIIA; SPINAL MUSCULAR ATROPHY, DISTAL, WITH VOCAL CORD PARALYSIS; Neuronopathy, distal hereditary motor, autosomal dominant 7; Neuronopathy, distal hereditary motor, type viia; NEURONOPATHY, DISTAL HEREDITARY MOTOR, HARDING TYPE VIIA; NEUROPATHY, DISTAL HEREDITARY MOTOR, HARDING TYPE VIIA. Identifiers: Orphanet 139589, MedGen C1834703, MONDO:0008024, OMIM 158580.
Congenital myasthenic syndrome 20. Also called: Myasthenic syndrome, congenital, 20, presynaptic. Identifiers: MedGen C4310694, MONDO:0014939, OMIM 617143.

Allele frequency attached by ClinVar (database versions not stated): ExAC 0.00002; gnomAD 0.00002; gnomAD exomes 0.00002; TOPMed 0.00002.
gnomAD v4.1: 17 of 1,612,678 alleles (0.0011%); highest among the groups gnomAD compares: Admixed American, 0.01%; no homozygotes.

Submission:

Labcorp Genetics (formerly Invitae), Labcorp
Classification: Uncertain significance for Neuronopathy, distal hereditary motor, type 7A; Congenital myasthenic syndrome 20. Last evaluated: 2025-06-03. Review status: criteria provided, single submitter. Criteria: Invitae Variant Classification Sherloc (09022015). Collection method: clinical testing. Allele origin: germline.
Comment: This sequence change replaces valine, which is neutral and non-polar, with isoleucine, which is neutral and non-polar, at codon 190 of the SLC5A7 protein (p.Val190Ile). This variant is present in population databases (rs541031936, gnomAD 0.02%). This variant has not been reported in the literature in individuals affected with SLC5A7-related conditions. ClinVar contains an entry for this variant (Variation ID: 934360). Invitae Evidence Modeling of protein sequence and biophysical properties (such as structural, functional, and spatial information, amino acid conservation, physicochemical variation, residue mobility, and thermodynamic stability) indicates that this missense variant is not expected to disrupt SLC5A7 protein function with a negative predictive value of 80%. In summary, the available evidence is currently insufficient to determine the role of this variant in disease. Therefore, it has been classified as a Variant of Uncertain Significance.

NM_021815.5(SLC5A7):c.568G>A (p.Val190Ile)

Gene: SLC5A7 (solute carrier family 5 member 7; plus strand). Cytogenetic location: 2q12.3.
Variant type: single nucleotide variant.
Coding change: c.568G>A on transcript NM_021815.5 (MANE Select); coding-DNA position 568, G replaced by A.
Protein change: p.Val190Ile; replaces valine 190 with isoleucine.
Molecular consequence: missense variant. On other transcripts: 5 prime UTR variant (1).
Genome position (GRCh38, 1-based): chr2:107,997,957, G>A. VCF-style: chr2-107997957-G-A. GRCh37 (hg19) VCF-style: chr2-108614413-G-A.
Other names: c.568G>A, p.Val190Ile (NM_001305005.3); c.253G>A, p.Val85Ile (NM_001305006.3); c.-137G>A (NM_001305007.3); short protein forms V190I, V85I.
Identifiers: ClinVar variation 934360 (VCV000934360.7), dbSNP rs541031936, ClinGen allele CA1818998.